The following is an entry in ClinVar:

ClinVar aggregate classification (germline): Benign/Likely benign. Review status: criteria provided, multiple submitters, no conflicts (2 of 4 stars). 2 submissions from 2 submitters: Benign (1); Likely benign (1). Last evaluated 2023-09-01.

Allele frequency attached by ClinVar (database versions not stated): gnomAD exomes 0.00003 and 0.00004; TOPMed 0.00003; gnomAD 0.00004; ExAC 0.00007; 1000 Genomes Project 30x 0.00021; 1000 Genomes Project 0.00026.
gnomAD v4.1: 34 of 1,202,169 alleles (0.0028%); highest among the groups gnomAD compares: South Asian, 0.021%; no homozygotes.

Submissions (2):

CeGaT Center for Human Genetics Tuebingen
Classification: Likely benign. Last evaluated: 2023-09-01. Review status: criteria provided, single submitter. Criteria: CeGaT Center For Human Genetics Tuebingen Variant Classification Criteria Version 2. Collection method: clinical testing. Allele origin: germline. Affected: yes. Observed: 1 variant allele.
Comment: CNKSR2: BS2

Labcorp Genetics (formerly Invitae), Labcorp
Classification: Benign. Last evaluated: 2018-10-31. Review status: criteria provided, single submitter. Criteria: Invitae Variant Classification Sherloc (09022015). Collection method: clinical testing. Allele origin: germline.

NM_014927.5(CNKSR2):c.988G>A (p.Val330Ile)

Gene: CNKSR2 (connector enhancer of kinase suppressor of Ras 2; plus strand). Cytogenetic location: Xp22.12.
Variant type: single nucleotide variant.
Coding change: c.988G>A on transcript NM_014927.5 (MANE Select); coding-DNA position 988, G replaced by A.
Protein change: p.Val330Ile; replaces valine 330 with isoleucine.
Molecular consequence: missense variant.
Genome position (GRCh38, 1-based): chrX:21,526,897, G>A. VCF-style: chrX-21526897-G-A. GRCh37 (hg19) VCF-style: chrX-21545015-G-A.
Other names: c.988G>A, p.Val330Ile (NM_001168647.3, NM_001168648.3, NM_001330773.2); c.841G>A, p.Val281Ile (NM_001168649.3, NM_001330770.2, NM_001330771.2 and 1 more transcripts); short protein forms V281I, V330I.
Identifiers: ClinVar variation 793494 (VCV000793494.27), dbSNP rs759498814, ClinGen allele CA10366557.